The following is an entry in ClinVar:

ClinVar aggregate classification (germline): Conflicting classifications of pathogenicity. Review status: criteria provided, conflicting classifications (1 of 4 stars). 2 submissions from 2 submitters: Likely pathogenic (1); Uncertain significance (1). Last evaluated 2025-02-05.

Conditions:
Progressive familial intrahepatic cholestasis type 2. Identifiers: Orphanet 79304, MedGen C3489789, MONDO:0011156, OMIM 601847.

gnomAD v4.1: 4 of 1,613,724 alleles (0.00025%); highest among the groups gnomAD compares: Non-Finnish European, 0.00025%; no homozygotes.

Submissions (2):

Broad Center for Mendelian Genomics, Broad Institute of MIT and Harvard
Classification: Likely pathogenic for Progressive familial intrahepatic cholestasis type 2. Last evaluated: 2025-02-05. Review status: criteria provided, single submitter. Criteria: ACMG Guidelines, 2015. Collection method: curation. Allele origin: germline. Inheritance: Autosomal recessive inheritance.
Comment: The p.Arg1153Pro variant in ABCB11 has not been previously reported in the literature in individuals with BSEP deficiency, but has been identified in 0.0003% (3/1179804) of European (non-Finnish) chromosomes by the Genome Aggregation Database (gnomAD; dbSNP ID: rs748862206). Although this variant has been seen in the general population in a heterozygous state, its frequency is low enough to be consistent with a recessive carrier frequency. Computational prediction tools and conservation analyses suggest that this variant may impact the protein, though this information is not predictive enough to determine pathogenicity. Two additional pathogenic variants resulting in a different amino acid change at the same position, p.Arg1153His and p.Arg1153Cys, have been reported in association with disease in ClinVar, supporting that a change at this position may not be tolerated (Variation ID: 1076791, 288726). In summary, although additional studies are required to fully establish its clinical significance, this variant is likely pathogenic for autosomal recessive BSEP deficiency. ACMG/AMP Criteria applied: PM5_strong, PP3_moderate, PM2_supporting (Richards 2015).

Women's Health and Genetics/Laboratory Corporation of America, LabCorp
Classification: Uncertain significance. Last evaluated: 2025-01-08. Review status: criteria provided, single submitter. Criteria: LabCorp Variant Classification Summary - May 2015. Collection method: clinical testing. Allele origin: germline.
Comment: Variant summary: ABCB11 c.3458G>C (p.Arg1153Pro) results in a non-conservative amino acid change located in the ATP-binding cassette domain of the encoded protein sequence. Five of five in-silico tools predict a damaging effect of the variant on protein function. The variant was absent in 249190 control chromosomes. To our knowledge, no occurrence of c.3458G>C in individuals affected with Familial Intrahepatic Cholestasis and no experimental evidence demonstrating its impact on protein function have been reported. Different missense changes affecting the same amino acid (R1153H, R1153C) have been reported in affected individuals (e.g. HGMD) and been classified as (likely) pathogenic in ClinVar by multiple labs. No submitters have cited clinical-significance assessments for this variant to ClinVar. Based on the evidence outlined above, the variant was classified as VUS-possibly pathogenic.

NM_003742.4(ABCB11):c.3458G>C (p.Arg1153Pro)

Gene: ABCB11 (ATP binding cassette subfamily B member 11; minus strand). Cytogenetic location: 2q31.1.
Variant type: single nucleotide variant.
Coding change: c.3458G>C on transcript NM_003742.4 (MANE Select); coding-DNA position 3458, G replaced by C.
Protein change: p.Arg1153Pro; replaces arginine 1153 with proline.
Molecular consequence: missense variant.
Genome position (GRCh38, 1-based): chr2:168,927,316, C>G on the plus strand (G>C on the coding strand, the complement: ABCB11 is on the minus strand). VCF-style: chr2-168927316-C-G. GRCh37 (hg19) VCF-style: chr2-169783826-C-G.
Other names: short protein forms R1153P.
Identifiers: ClinVar variation 3769191 (VCV003769191.3).